The following is an entry in ClinVar:

ClinVar aggregate classification (germline): Uncertain significance (1 of 4 stars; one submission).

Submission:

Labcorp Genetics (formerly Invitae), Labcorp
Classification: Uncertain significance. Last evaluated: 2024-11-03. Review status: criteria provided, single submitter. Criteria: Invitae Variant Classification Sherloc (09022015). Collection method: clinical testing. Allele origin: germline.
Comment: This sequence change falls in intron 11 of the CUL3 gene. It does not directly change the encoded amino acid sequence of the CUL3 protein. It affects a nucleotide within the consensus splice site. This variant is not present in population databases (gnomAD no frequency). This variant has not been reported in the literature in individuals affected with CUL3-related conditions. Variants that disrupt the consensus splice site are a relatively common cause of aberrant splicing (PMID: 17576681, 9536098). Algorithms developed to predict the effect of sequence changes on RNA splicing suggest that this variant may disrupt the consensus splice site. In summary, the available evidence is currently insufficient to determine the role of this variant in disease. Therefore, it has been classified as a Variant of Uncertain Significance.

Literature cited by the submitters: PubMed 17576681; PubMed 9536098.

NM_003590.5(CUL3):c.1610+4A>G

Gene: CUL3 (cullin 3; minus strand). Cytogenetic location: 2q36.2.
Variant type: single nucleotide variant.
Coding change: c.1610+4A>G on transcript NM_003590.5 (MANE Select); 4 bases into the intron after coding-DNA position 1610, A replaced by G.
Molecular consequence: intron variant.
Genome position (GRCh38, 1-based): chr2:224,500,359, T>C on the plus strand (A>G on the coding strand, the complement: CUL3 is on the minus strand). VCF-style: chr2-224500359-T-C. GRCh37 (hg19) VCF-style: chr2-225365076-T-C.
Other names: c.1412+4A>G (NM_001257197.2); c.1628+4A>G (NM_001257198.2).
Identifiers: ClinVar variation 3724483 (VCV003724483.2).